The following is an entry in ClinVar:

NM_001458.5(FLNC):c.4141G>T (p.Gly1381Trp)

Gene: FLNC (filamin C; plus strand). Cytogenetic location: 7q32.1.
Variant type: single nucleotide variant.
Coding change: c.4141G>T on transcript NM_001458.5 (MANE Select); coding-DNA position 4141, G replaced by T.
Protein change: p.Gly1381Trp; replaces glycine 1381 with tryptophan.
Molecular consequence: missense variant.
Genome position (GRCh38, 1-based): chr7:128,846,758, G>T. VCF-style: chr7-128846758-G-T. GRCh37 (hg19) VCF-style: chr7-128486812-G-T.
Other names: c.4141G>T, p.Gly1381Trp (NM_001127487.2); short protein forms G1381W.
Identifiers: ClinVar variation 961404 (VCV000961404.11), dbSNP rs766513255, ClinGen allele CA369200372.

ClinVar aggregate classification (germline): Uncertain significance. Review status: criteria provided, multiple submitters, no conflicts (2 of 4 stars). 2 submissions from 2 submitters: Uncertain significance (2). Last evaluated 2025-04-03.

Conditions:
Myofibrillar myopathy 5. Also called: Filaminopathy (type); FILAMINOPATHY, AUTOSOMAL DOMINANT. Identifiers: Orphanet 171445, MedGen C1836050, MONDO:0012289, OMIM 609524.
Distal myopathy with posterior leg and anterior hand involvement. Also called: WILLIAMS DISTAL MYOPATHY. Identifiers: Orphanet 63273, MedGen C3279722, MONDO:0013550, OMIM 614065.
Hypertrophic cardiomyopathy 26. Also called: Cardiomyopathy, familial hypertrophic, 26. Identifiers: Orphanet 75249, MedGen C4310749, MONDO:0014883, OMIM 617047.

gnomAD v4.1: 4 of 1,613,492 alleles (0.00025%); highest among the groups gnomAD compares: African/African-American, 0.0013%; no homozygotes.

Submissions (2):

GeneDx
Classification: Uncertain significance. Last evaluated: 2025-04-03. Review status: criteria provided, single submitter. Criteria: GeneDx Variant Classification Process June 2021. Collection method: clinical testing. Allele origin: germline. Affected: yes.
Comment: Not observed at significant frequency in large population cohorts (gnomAD); In silico analysis supports that this missense variant has a deleterious effect on protein structure/function; Has not been previously published as pathogenic or benign to our knowledge

Labcorp Genetics (formerly Invitae), Labcorp
Classification: Uncertain significance for Distal myopathy with posterior leg and anterior hand involvement; Myofibrillar myopathy 5; Hypertrophic cardiomyopathy 26. Last evaluated: 2019-11-06. Review status: criteria provided, single submitter. Criteria: Invitae Variant Classification Sherloc (09022015). Collection method: clinical testing. Allele origin: germline.
Comment: This sequence change replaces glycine with tryptophan at codon 1381 of the FLNC protein (p.Gly1381Trp). The glycine residue is highly conserved and there is a large physicochemical difference between glycine and tryptophan. This variant is not present in population databases (ExAC no frequency). This variant has not been reported in the literature in individuals with FLNC-related conditions. Algorithms developed to predict the effect of missense changes on protein structure and function are either unavailable or do not agree on the potential impact of this missense change (SIFT: "Deleterious"; PolyPhen-2: "Probably Damaging"; Align-GVGD: "Class C15"). In summary, the available evidence is currently insufficient to determine the role of this variant in disease. Therefore, it has been classified as a Variant of Uncertain Significance.